The following is an entry in ClinVar:

NM_002485.5(NBN):c.2155_2156del (p.Leu719fs)

Gene: NBN (nibrin; minus strand). Cytogenetic location: 8q21.3.
Variant type: Deletion.
Coding change: c.2155_2156del on transcript NM_002485.5 (MANE Select); coding-DNA positions 2155 to 2156, 2 bases deleted (CT; older notation c.2155_2156delCT).
Protein change: p.Leu719fs; shifts the reading frame from leucine 719.
Molecular consequence: frameshift variant.
Genome position (GRCh38, 1-based): chr8:89,943,281-89,943,282, AG deleted on the plus strand (CT on the coding strand, the reverse complement: NBN is on the minus strand). VCF-style (leftmost placement, unchanged base first): chr8-89943280-TAG-T. GRCh37 (hg19) VCF-style: chr8-90955508-TAG-T.
Other names: c.1909_1910del, p.Leu637fs (NM_001024688.3); short protein forms L719fs, L637fs.
Identifiers: ClinVar variation 2817481 (VCV002817481.3), dbSNP rs2488190993, ClinGen allele CA2739268860.

ClinVar aggregate classification (germline): Likely pathogenic (1 of 4 stars; one submission).

Conditions:
Microcephaly, normal intelligence and immunodeficiency (NBS). Also called: SEEMANOVA SYNDROME II; IMMUNODEFICIENCY, MICROCEPHALY, AND CHROMOSOMAL INSTABILITY; Nijmegen breakage syndrome; Microcephaly with normal intelligence immunodeficiency and lymphoreticular malignancies; Nonsyndromal microcephaly autosomal recessive with normal intelligence; Seemanova syndrome 2. Identifiers: Orphanet 647, MedGen C0398791, MONDO:0009623, OMIM 251260.

Submission:

Labcorp Genetics (formerly Invitae), Labcorp
Classification: Likely pathogenic for Microcephaly, normal intelligence and immunodeficiency. Last evaluated: 2022-11-29. Review status: criteria provided, single submitter. Criteria: Invitae Variant Classification Sherloc (09022015). Collection method: clinical testing. Allele origin: germline.
Comment: This sequence change creates a premature translational stop signal (p.Leu719Argfs*22) in the NBN gene. While this is not anticipated to result in nonsense mediated decay, it is expected to disrupt the last 36 amino acid(s) of the NBN protein. In summary, the currently available evidence indicates that the variant is pathogenic, but additional data are needed to prove that conclusively. Therefore, this variant has been classified as Likely Pathogenic. This variant disrupts the ATM interaction domain of the NBN protein (PMID: 24894818, 21035407), which is important for activating ATM in the double-strand break repair pathway (PMID: 15964794, 15048089). While functional studies have not been performed to directly test the effect of this variant on NBN protein function, this suggests that disruption of this region of the protein is causative of disease. This variant has not been reported in the literature in individuals affected with NBN-related conditions. This variant is not present in population databases (gnomAD no frequency).

Literature cited by the submitters: PubMed 24894818; PubMed 21035407; PubMed 15964794; PubMed 15048089.